The following is an entry in ClinVar:

NM_001365276.2(TNXB):c.7169C>T (p.Ala2390Val)

Gene: TNXB (tenascin XB; minus strand). Cytogenetic location: 6p21.33.
Variant type: single nucleotide variant.
Coding change: c.7169C>T on transcript NM_001365276.2 (MANE Select); coding-DNA position 7169, C replaced by T.
Protein change: p.Ala2390Val; replaces alanine 2390 with valine.
Molecular consequence: missense variant.
Genome position (GRCh38, 1-based): chr6:32,061,720, G>A on the plus strand (C>T on the coding strand, the complement: TNXB is on the minus strand). VCF-style: chr6-32061720-G-A. GRCh37 (hg19) VCF-style: chr6-32029497-G-A.
Other names: c.7169C>T, p.Ala2390Val (NM_019105.8); short protein forms A2390V.
Identifiers: ClinVar variation 1757457 (VCV001757457.2), dbSNP rs748928220, ClinGen allele CA3734223.
Genomic context (GRCh38, chr6:32,061,720, plus strand): 5'-TCAGGGGGCTCCGGGGCCTCCATGCTGGGTTCTGTGGGGCTGGGGGTCTCTTCCTCTGCA[G>A]CTGAGAAAAAGGGACACAGAGAGGATGGCAGGGTCCCTGGGGGATGTGCTTACGTCGTGG-3'
Protein context (NP_001352205.1, residues 2380-2400): VGPVSAIGVT[Ala2390Val]AEEETPSPTE

ClinVar aggregate classification (germline): Uncertain significance (1 of 4 stars; one submission).

Conditions:
Cardiovascular phenotype. Identifiers: MedGen CN230736.

Allele frequency attached by ClinVar (database versions not stated): ExAC 0.00001; gnomAD 0.00002; TOPMed 0.00002.

Submission:

Ambry Genetics
Classification: Uncertain significance for Cardiovascular phenotype. Last evaluated: 2021-11-14. Review status: criteria provided, single submitter. Criteria: Ambry Variant Classification Scheme 2023. Collection method: clinical testing. Allele origin: germline.
Comment: The p.A2390V variant (also known as c.7169C>T) is located in coding exon 20 of the TNXB gene. The alanine at codon 2390 is replaced by valine, an amino acid with similar properties. This change occurs in the first base pair of coding exon 20. This amino acid position is conserved. In addition, this alteration is predicted to be tolerated by in silico analysis. Since supporting evidence is limited at this time, the clinical significance of this alteration remains unclear.